The following is an entry in ClinVar:

ClinVar aggregate classification (germline): Likely benign (0 of 4 stars; one submission).

Conditions:
NIN-related disorder. Also called: NIN-related condition.

Allele frequency attached by ClinVar (database versions not stated): ExAC 0.00002; gnomAD exomes 0.00002; gnomAD 0.00003.
gnomAD v4.1: 35 of 1,613,084 alleles (0.0022%); highest among the groups gnomAD compares: South Asian, 0.022%; no homozygotes.

Submission:

PreventionGenetics, part of Exact Sciences
Classification: Likely benign for NIN-related condition. Last evaluated: 2019-04-12. Review status: no assertion criteria provided. Collection method: clinical testing. Allele origin: germline.
Comment: This variant is classified as likely benign based on ACMG/AMP sequence variant interpretation guidelines (Richards et al. 2015 PMID: 25741868, with internal and published modifications).

NM_020921.4(NIN):c.3933C>T (p.Tyr1311=)

Gene: NIN (ninein; minus strand). Cytogenetic location: 14q22.1.
Variant type: single nucleotide variant.
Coding change: c.3933C>T on transcript NM_020921.4 (MANE Select); coding-DNA position 3933, C replaced by T.
Protein change: p.Tyr1311=; no amino-acid change (tyrosine 1311 retained).
Molecular consequence: synonymous variant. On other transcripts: intron variant (1).
Genome position (GRCh38, 1-based): chr14:50,757,097, G>A on the plus strand (C>T on the coding strand, the complement: NIN is on the minus strand). VCF-style: chr14-50757097-G-A. GRCh37 (hg19) VCF-style: chr14-51223815-G-A.
Other names: c.3933C>T, p.Tyr1311= (NM_182944.3, NM_182946.2); c.2400-2230C>T (NM_016350.5).
Identifiers: ClinVar variation 3058610 (VCV003058610.2), dbSNP rs777723091, ClinGen allele CA7181655.